The following is an entry in ClinVar:

NM_001267550.2(TTN):c.32676del (p.Val10893fs)

Gene: TTN (titin; minus strand). Cytogenetic location: 2q31.2.
Variant type: Deletion.
Coding change: c.32676del on transcript NM_001267550.2 (MANE Select); coding-DNA position 32676, one base deleted (A; older notation c.32676delA).
Protein change: p.Val10893fs; shifts the reading frame from valine 10893.
Molecular consequence: frameshift variant. On other transcripts: intron variant (3).
Genome position (GRCh38, 1-based): chr2:178,684,376, T deleted on the plus strand (A on the coding strand, the reverse complement: TTN is on the minus strand); the first of 5 consecutive T bases (chr2:178,684,376-178,684,380); deleting any one gives the same sequence. VCF-style (leftmost placement, unchanged base first): chr2-178684375-CT-C. GRCh37 (hg19) VCF-style: chr2-179549102-CT-C.
Other names: c.31725del, p.Val10576fs (NM_001256850.1); c.32672delA, p.Val10893Phefs (NM_001267550.1); c.28944del, p.Val9649fs (NM_133378.4); c.13283-42059del (NM_003319.4); c.13859-42059del (NM_133437.4); c.13658-42059del (NM_133432.3); short protein forms V10576fs, V10893fs, V9649fs.
Identifiers: ClinVar variation 4795279 (VCV004795279.1).

ClinVar aggregate classification (germline): Uncertain significance (1 of 4 stars; one submission).

Submission:

GeneDx
Classification: Uncertain significance. Last evaluated: 2025-08-13. Review status: criteria provided, single submitter. Criteria: GeneDx Variant Classification Process June 2021. Collection method: clinical testing. Allele origin: germline. Affected: yes.
Comment: Frameshift variant predicted to result in protein truncation or nonsense mediated decay in a gene or region of a gene for which loss of function is not a well-established mechanism of disease; Not observed at significant frequency in large population cohorts (gnomAD); This variant is associated with the following publications: (PMID: Aydin2024[Article])